The following is an entry in ClinVar:

NM_006466.4(POLR3F):c.851G>A (p.Arg284Gln)

Gene: POLR3F (RNA polymerase III subunit F; plus strand). Cytogenetic location: 20p11.23.
Variant type: single nucleotide variant.
Coding change: c.851G>A on transcript NM_006466.4 (MANE Select); coding-DNA position 851, G replaced by A.
Protein change: p.Arg284Gln; replaces arginine 284 with glutamine.
Molecular consequence: missense variant. On other transcripts: non-coding transcript variant (1).
Genome position (GRCh38, 1-based): chr20:18,481,788, G>A. VCF-style: chr20-18481788-G-A. GRCh37 (hg19) VCF-style: chr20-18462432-G-A.
Other names: c.728G>A, p.Arg243Gln (NM_001282526.2); c.707G>A, p.Arg236Gln (NM_001410821.1); short protein forms R243Q, R236Q, R284Q.
Identifiers: ClinVar variation 2062968 (VCV002062968.4), dbSNP rs774153217, ClinGen allele CA9777618.

ClinVar aggregate classification (germline): Uncertain significance (1 of 4 stars; one submission).

Allele frequency attached by ClinVar (database versions not stated): gnomAD 0.00001; TOPMed 0.00002; gnomAD exomes 0.00006; ExAC 0.00008.
gnomAD v4.1: 89 of 1,613,008 alleles (0.0055%); highest among the groups gnomAD compares: Middle Eastern, 0.082%; no homozygotes.

Submission:

Labcorp Genetics (formerly Invitae), Labcorp
Classification: Uncertain significance. Last evaluated: 2025-08-16. Review status: criteria provided, single submitter. Criteria: Invitae Variant Classification Sherloc (09022015). Collection method: clinical testing. Allele origin: germline.
Comment: This sequence change replaces arginine, which is basic and polar, with glutamine, which is neutral and polar, at codon 243 of the POLR3F protein (p.Arg243Gln). This variant is present in population databases (rs774153217, gnomAD 0.02%). This variant has not been reported in the literature in individuals affected with POLR3F-related conditions. ClinVar contains an entry for this variant (Variation ID: 2062968). Experimental studies and prediction algorithms are not available or were not evaluated, and the functional significance of this variant is currently unknown. In summary, the available evidence is currently insufficient to determine the role of this variant in disease. Therefore, it has been classified as a Variant of Uncertain Significance.